The following is an entry in ClinVar:

NM_138703.5(MAGEE2):c.720G>A (p.Pro240=)

Gene: MAGEE2 (MAGE family member E2; minus strand). Cytogenetic location: Xq13.3.
Variant type: single nucleotide variant.
Coding change: c.720G>A on transcript NM_138703.5 (MANE Select); coding-DNA position 720, G replaced by A.
Protein change: p.Pro240=; no amino-acid change (proline 240 retained).
Molecular consequence: synonymous variant.
Genome position (GRCh38, 1-based): chrX:75,784,332, C>T on the plus strand (G>A on the coding strand, the complement: MAGEE2 is on the minus strand). VCF-style: chrX-75784332-C-T. GRCh37 (hg19) VCF-style: chrX-75004167-C-T.
Identifiers: ClinVar variation 2660948 (VCV002660948.24), dbSNP rs376554389, ClinGen allele CA10456551.

ClinVar aggregate classification (germline): Likely benign (1 of 4 stars; one submission).

Allele frequency attached by ClinVar (database versions not stated): ExAC 0.00007; gnomAD exomes 0.00008; ESP Exome Variant Server 0.00009; TOPMed 0.00011; gnomAD 0.00019.

Submission:

CeGaT Center for Human Genetics Tuebingen
Classification: Likely benign. Last evaluated: 2022-07-01. Review status: criteria provided, single submitter. Criteria: CeGaT Center For Human Genetics Tuebingen Variant Classification Criteria Version 2. Collection method: clinical testing. Allele origin: germline. Affected: yes. Observed: 1 variant allele.
Comment: MAGEE2: BP4, BP7